The following is an entry in ClinVar:

ClinVar aggregate classification (germline): Uncertain significance (1 of 4 stars; one submission).

Conditions:
RSRC1-related disorder. Also called: RSRC1-related condition.

Submission:

PreventionGenetics, part of Exact Sciences
Classification: Uncertain significance for RSRC1-related condition. Last evaluated: 2026-03-15. Review status: criteria provided, single submitter. Criteria: ACMG Guidelines, 2015. Collection method: clinical testing. Allele origin: germline.
Comment: The RSRC1 c.598G>A variant is predicted to result in the amino acid substitution p.Ala200Thr. To our knowledge, this variant has not been reported in the literature or in a large population database (gnomAD), indicating this variant is rare. At this time, the clinical significance of this variant is uncertain due to the absence of conclusive functional and genetic evidence.

NM_001271838.2(RSRC1):c.598G>A (p.Ala200Thr)

Gene: RSRC1 (arginine and serine rich coiled-coil 1; plus strand). Cytogenetic location: 3q25.32.
Variant type: single nucleotide variant.
Coding change: c.598G>A on transcript NM_001271838.2 (MANE Select); coding-DNA position 598, G replaced by A.
Protein change: p.Ala200Thr; replaces alanine 200 with threonine.
Molecular consequence: missense variant.
Genome position (GRCh38, 1-based): chr3:158,460,949, G>A. VCF-style: chr3-158460949-G-A. GRCh37 (hg19) VCF-style: chr3-158178738-G-A.
Other names: c.424G>A, p.Ala142Thr (NM_001271834.2); c.598G>A, p.Ala200Thr (NM_016625.4); short protein forms A142T, A200T.
Identifiers: ClinVar variation 4990315 (VCV004990315.1).